The following is an entry in ClinVar:

ClinVar aggregate classification (germline): Uncertain significance (1 of 4 stars; one submission).

Submission:

GeneDx
Classification: Uncertain significance. Last evaluated: 2026-07-28. Review status: criteria provided, single submitter. Criteria: GeneDx Variant Classification Process June 2021. Collection method: clinical testing. Allele origin: germline.
Comment: Not observed at significant frequency in large population cohorts (gnomAD); In silico analysis suggests that this missense variant does not alter protein structure/function; Has not been previously published as pathogenic or benign to our knowledge

NM_001282874.2(SMARCA1):c.3012C>G (p.Ile1004Met)

Gene: SMARCA1 (SNF2 related chromatin remodeling ATPase 1; minus strand). Cytogenetic location: Xq25.
Variant type: single nucleotide variant.
Coding change: c.3012C>G on transcript NM_001282874.2 (MANE Select); coding-DNA position 3012, C replaced by G.
Protein change: p.Ile1004Met; replaces isoleucine 1004 with methionine.
Molecular consequence: missense variant.
Genome position (GRCh38, 1-based): chrX:129,465,538, G>C on the plus strand (C>G on the coding strand, the complement: SMARCA1 is on the minus strand). VCF-style: chrX-129465538-G-C. GRCh37 (hg19) VCF-style: chrX-128599515-G-C.
Other names: c.2976C>G, p.Ile992Met (NM_001282875.2, NM_001378262.1, NM_001378263.1 and 1 more transcripts); c.3012C>G, p.Ile1004Met (NM_001378261.1, NM_003069.5); short protein forms I1004M, I992M.
Identifiers: ClinVar variation 3899542 (VCV003899542.2).